The following is an entry in ClinVar:

NM_133259.4(LRPPRC):c.1156C>A (p.Pro386Thr)

Gene: LRPPRC (leucine rich pentatricopeptide repeat containing; minus strand). Cytogenetic location: 2p21.
Variant type: single nucleotide variant.
Coding change: c.1156C>A on transcript NM_133259.4 (MANE Select); coding-DNA position 1156, C replaced by A.
Protein change: p.Pro386Thr; replaces proline 386 with threonine.
Molecular consequence: missense variant.
Genome position (GRCh38, 1-based): chr2:43,973,900, G>T on the plus strand (C>A on the coding strand, the complement: LRPPRC is on the minus strand). VCF-style: chr2-43973900-G-T. GRCh37 (hg19) VCF-style: chr2-44201039-G-T.
Other names: c.1156C>A (NM_133259.3); short protein forms P386T.
Identifiers: ClinVar variation 2144514 (VCV002144514.4), dbSNP rs762287853, ClinGen allele CA346672343.

ClinVar aggregate classification (germline): Uncertain significance. Review status: criteria provided, multiple submitters, no conflicts (2 of 4 stars). 3 submissions from 3 submitters: Uncertain significance (3). Last evaluated 2024-11-05.

Conditions:
Inborn genetic diseases. Identifiers: MedGen C0950123, MeSH D030342.

Allele frequency attached by ClinVar (database versions not stated): TOPMed 0.00002; gnomAD 0.00003.
gnomAD v4.1: 23 of 1,581,032 alleles (0.0015%); highest among the groups gnomAD compares: Non-Finnish European, 0.0017%; no homozygotes.

Submissions (3):

Blueprint Genetics
Classification: Uncertain significance. Last evaluated: 2024-11-05. Review status: criteria provided, single submitter. Criteria: ACMG Guidelines, 2015. Collection method: clinical testing. Allele origin: germline.

Ambry Genetics
Classification: Uncertain significance for Inborn genetic diseases. Last evaluated: 2023-06-28. Review status: criteria provided, single submitter. Criteria: Ambry Variant Classification Scheme 2023. Collection method: clinical testing. Allele origin: germline.

Labcorp Genetics (formerly Invitae), Labcorp
Classification: Uncertain significance. Last evaluated: 2021-12-02. Review status: criteria provided, single submitter. Criteria: Invitae Variant Classification Sherloc (09022015). Collection method: clinical testing. Allele origin: germline.
Comment: This sequence change replaces proline, which is neutral and non-polar, with threonine, which is neutral and polar, at codon 386 of the LRPPRC protein (p.Pro386Thr). This variant is present in population databases (no rsID available, gnomAD 0.1%). This variant has not been reported in the literature in individuals affected with LRPPRC-related conditions. Algorithms developed to predict the effect of missense changes on protein structure and function are either unavailable or do not agree on the potential impact of this missense change (SIFT: "Deleterious"; PolyPhen-2: "Probably Damaging"; Align-GVGD: "Class C0"). In summary, the available evidence is currently insufficient to determine the role of this variant in disease. Therefore, it has been classified as a Variant of Uncertain Significance.